The following is an entry in ClinVar:

ClinVar aggregate classification (germline): Pathogenic (1 of 4 stars; one submission).

Submission:

Labcorp Genetics (formerly Invitae), Labcorp
Classification: Pathogenic. Last evaluated: 2024-03-18. Review status: criteria provided, single submitter. Criteria: Invitae Variant Classification Sherloc (09022015). Collection method: clinical testing. Allele origin: germline.
Comment: This sequence change creates a premature translational stop signal (p.Phe136*) in the SLC12A6 gene. It is expected to result in an absent or disrupted protein product. Loss-of-function variants in SLC12A6 are known to be pathogenic (PMID: 12368912, 16606917). This variant is not present in population databases (gnomAD no frequency). This variant has not been reported in the literature in individuals affected with SLC12A6-related conditions. For these reasons, this variant has been classified as Pathogenic.

Literature cited by the submitters: PubMed 12368912; PubMed 16606917.

NM_001365088.1(SLC12A6):c.407_408del (p.Leu135_Phe136insTer)

Gene: SLC12A6 (solute carrier family 12 member 6; minus strand). Cytogenetic location: 15q14.
Variant type: Deletion.
Coding change: c.407_408del on transcript NM_001365088.1 (MANE Select); coding-DNA positions 407 to 408, 2 bases deleted (TT; older notation c.407_408delTT).
Protein change: p.Leu135_Phe136insTer.
Molecular consequence: nonsense.
Genome position (GRCh38, 1-based): chr15:34,260,929-34,260,930, AA deleted on the plus strand (TT on the coding strand, the reverse complement: SLC12A6 is on the minus strand); deleting any 2 consecutive bases within chr15:34,260,929-34,260,931 gives the same sequence; the c. name uses the placement nearest the transcript's 3' end. VCF-style (leftmost placement, unchanged base first): chr15-34260928-CAA-C. GRCh37 (hg19) VCF-style: chr15-34553129-CAA-C.
Other names: c.230_231del, p.Leu76_Phe77insTer (NM_001042494.2, NM_001042495.2); c.380_381del, p.Leu126_Phe127insTer (NM_001042496.2); c.362_363del, p.Leu120_Phe121insTer (NM_001042497.2); c.254_255del, p.Leu84_Phe85insTer (NM_005135.2); c.407_408del, p.Leu135_Phe136insTer (NM_133647.2).
Identifiers: ClinVar variation 3645591 (VCV003645591.2).
Genomic context (GRCh38, chr15:34,260,928, plus strand): 5'-GCTATCATGAGATCTCTGTTCCTAAAGTCTCAGTCCATAGTTTTCTCCAAAATATTACCT[CAA>C]AGAGTGCCAAATTTTTATCAAAATATTCATCTCCTTCTTCATAATTGGAATTATTGAGAT-3'